The following is an entry in ClinVar:

ClinVar aggregate classification (germline): Uncertain significance (1 of 4 stars; one submission).

Conditions:
Cardiovascular phenotype. Identifiers: MedGen CN230736.

Submission:

Ambry Genetics
Classification: Uncertain significance for Cardiovascular phenotype. Last evaluated: 2023-02-28. Review status: criteria provided, single submitter. Criteria: Ambry Variant Classification Scheme 2023. Collection method: clinical testing. Allele origin: germline.
Comment: The p.P236R variant (also known as c.707C>G), located in coding exon 2 of the KCNJ8 gene, results from a C to G substitution at nucleotide position 707. The proline at codon 236 is replaced by arginine, an amino acid with dissimilar properties. This amino acid position is conserved. In addition, this alteration is predicted to be deleterious by in silico analysis. Since supporting evidence is limited at this time, the clinical significance of this alteration remains unclear.

NM_004982.4(KCNJ8):c.707C>G (p.Pro236Arg)

Genes: KCNJ8 (potassium inwardly rectifying channel subfamily J member 8; minus strand), KCNJ8-AS1 (KCNJ8 antisense RNA 1; plus strand). Cytogenetic location: 12p12.1.
Variant type: single nucleotide variant.
Coding change: c.707C>G on transcript NM_004982.4 (MANE Select); coding-DNA position 707, C replaced by G.
Protein change: p.Pro236Arg; replaces proline 236 with arginine.
Molecular consequence: missense variant.
Genome position (GRCh38, 1-based): chr12:21,766,291, G>C on the plus strand (C>G on the coding strand, the complement: KCNJ8 is on the minus strand). VCF-style: chr12-21766291-G-C. GRCh37 (hg19) VCF-style: chr12-21919225-G-C.
Identifiers: ClinVar variation 2451399 (VCV002451399.2), dbSNP rs2540720871, ClinGen allele CA384125005.
Genomic context (GRCh38, chr12:21,766,291, plus strand): 5'-CTCTCGATTGGGTTATCAACAGGAATGTCCAGTTGGTGAATAGGAACCACCTCCCCTTCA[G>C]GTGTAGTTGTTTTCTTGACCACCTGGATGCGCACAGAGGCACTAATGATCATGCTTTTCC-3'
Protein context (NP_004973.1, residues 226-246): RIQVVKKTTT[Pro236Arg]EGEVVPIHQL